The following is an entry in ClinVar:

ClinVar aggregate classification (germline): Uncertain significance (1 of 4 stars; one submission).

Conditions:
Brugada syndrome. Also called: Sudden unexpected nocturnal death syndrome; Sudden Unexplained Death Syndrome; Sudden Unexplained Nocturnal Death Syndrome (SUNDS); Sudden unexplained nocturnal death syndrome. Identifiers: Orphanet 130, MedGen C1142166, MONDO:0015263.

Submission:

Labcorp Genetics (formerly Invitae), Labcorp
Classification: Uncertain significance for Brugada syndrome. Last evaluated: 2025-05-13. Review status: criteria provided, single submitter. Criteria: Invitae Variant Classification Sherloc (09022015). Collection method: clinical testing. Allele origin: germline.
Comment: This sequence change replaces phenylalanine, which is neutral and non-polar, with leucine, which is neutral and non-polar, at codon 1528 of the SCN10A protein (p.Phe1528Leu). This variant is not present in population databases (gnomAD no frequency). This variant has not been reported in the literature in individuals affected with SCN10A-related conditions. Invitae Evidence Modeling of protein sequence and biophysical properties (such as structural, functional, and spatial information, amino acid conservation, physicochemical variation, residue mobility, and thermodynamic stability) indicates that this missense variant is not expected to disrupt SCN10A protein function with a negative predictive value of 80%. In summary, the available evidence is currently insufficient to determine the role of this variant in disease. Therefore, it has been classified as a Variant of Uncertain Significance.

NM_006514.4(SCN10A):c.4584C>A (p.Phe1528Leu)

Gene: SCN10A (sodium voltage-gated channel alpha subunit 10; minus strand). Cytogenetic location: 3p22.2.
Variant type: single nucleotide variant.
Coding change: c.4584C>A on transcript NM_006514.4 (MANE Select); coding-DNA position 4584, C replaced by A.
Protein change: p.Phe1528Leu; replaces phenylalanine 1528 with leucine.
Molecular consequence: missense variant.
Genome position (GRCh38, 1-based): chr3:38,701,912, G>T on the plus strand (C>A on the coding strand, the complement: SCN10A is on the minus strand). VCF-style: chr3-38701912-G-T. GRCh37 (hg19) VCF-style: chr3-38743403-G-T.
Other names: c.4581C>A, p.Phe1527Leu (NM_001293306.2); c.4290C>A, p.Phe1430Leu (NM_001293307.2); short protein forms F1527L, F1528L, F1430L.
Identifiers: ClinVar variation 4770107 (VCV004770107.1).